The following is an entry in ClinVar:

NM_001114753.3(ENG):c.958G>A (p.Ala320Thr)

Gene: ENG (endoglin; minus strand). Cytogenetic location: 9q34.11.
Variant type: single nucleotide variant.
Coding change: c.958G>A on transcript NM_001114753.3 (MANE Select); coding-DNA position 958, G replaced by A.
Protein change: p.Ala320Thr; replaces alanine 320 with threonine.
Molecular consequence: missense variant.
Genome position (GRCh38, 1-based): chr9:127,824,833, C>T on the plus strand (G>A on the coding strand, the complement: ENG is on the minus strand). VCF-style: chr9-127824833-C-T. GRCh37 (hg19) VCF-style: chr9-130587112-C-T.
Other names: c.958G>A, p.Ala320Thr (NM_000118.4, NM_001406715.1); c.412G>A, p.Ala138Thr (NM_001278138.2); short protein forms A138T, A320T.
Identifiers: ClinVar variation 5036000 (VCV005036000.1).

ClinVar aggregate classification (germline): Uncertain significance (1 of 4 stars; one submission).

Conditions:
Cardiovascular phenotype. Identifiers: MedGen CN230736.

Submission:

Ambry Genetics
Classification: Uncertain significance for Cardiovascular phenotype. Last evaluated: 2026-09-08. Review status: criteria provided, single submitter. Criteria: Ambry Variant Classification Scheme 2023. Collection method: clinical testing. Allele origin: germline.
Comment: The p.A320T variant (also known as c.958G>A), located in coding exon 7 of the ENG gene, results from a G to A substitution at nucleotide position 958. The alanine at codon 320 is replaced by threonine, an amino acid with similar properties. This amino acid position is conserved. In addition, this alteration is predicted to be tolerated by in silico analysis. Based on the available evidence, the clinical significance of this variant remains unclear.